The following is an entry in ClinVar:

NC_000010.11:g.(?_88770845)_(89328078_?)del

Genes: ACTA2 (actin alpha 2, smooth muscle; minus strand), ANKRD22 (ankyrin repeat domain 22; minus strand), CH25H (cholesterol 25-hydroxylase; minus strand), FAS (Fas cell surface death receptor; plus strand), FAS-AS1 (FAS antisense RNA 1; minus strand) and 6 more. Cytogenetic location: 10q23.31.
Variant type: Deletion.
Identifiers: ClinVar variation 832890 (VCV000832890.6).

ClinVar aggregate classification (germline): Pathogenic (1 of 4 stars; one submission).

Conditions:
Autoimmune lymphoproliferative syndrome type 1. Also called: AUTOIMMUNE LYMPHOPROLIFERATIVE SYNDROME, TYPE I, AUTOSOMAL DOMINANT. Identifiers: Orphanet 3261, MedGen C2717884, MONDO:0011158, OMIM 601859.

Submission:

Labcorp Genetics (formerly Invitae), Labcorp
Classification: Pathogenic for Autoimmune lymphoproliferative syndrome. Last evaluated: 2022-07-19. Review status: criteria provided, single submitter. Criteria: Invitae Variant Classification Sherloc (09022015). Collection method: clinical testing. Allele origin: germline.
Comment: A gross deletion of the genomic region encompassing the full coding sequence of the FAS gene has been identified. Loss-of-function variants in FAS are known to be pathogenic (PMID: 10875918, 22237435). The boundaries of this event are unknown as they extend beyond the assayed region for this gene and therefore may encompass additional genes. This variant has not been reported in the literature in individuals affected with FAS-related conditions. For these reasons, this variant has been classified as Pathogenic.

Literature cited by the submitters: PubMed 10875918; PubMed 22237435.